The following is an entry in ClinVar:

ClinVar aggregate classification (germline): Uncertain significance (1 of 4 stars; one submission).

Conditions:
PLXNA4-related disorder. Also called: PLXNA4-related condition.

Allele frequency attached by ClinVar (database versions not stated): ExAC 0.00002; ESP Exome Variant Server 0.00008; gnomAD 0.00011; TOPMed 0.00011.
gnomAD v4.1: 29 of 1,614,002 alleles (0.0018%); highest among the groups gnomAD compares: African/African-American, 0.035%; no homozygotes.

Submission:

PreventionGenetics, part of Exact Sciences
Classification: Uncertain significance for PLXNA4-related condition. Last evaluated: 2025-06-17. Review status: criteria provided, single submitter. Criteria: ACMG Guidelines, 2015. Collection method: clinical testing. Allele origin: germline.
Comment: The PLXNA4 c.1415T>A variant is predicted to result in the amino acid substitution p.Ile472Asn. In an alternate transcript (NM_020911.1), this variant is found in an intronic region (c.1371+4322T>A). To our knowledge, this variant has not been reported in the literature. This variant is reported in 0.044% of alleles in individuals of African descent in gnomAD. At this time, the clinical significance of this variant is uncertain due to the absence of conclusive functional and genetic evidence.

NM_020911.2(PLXNA4):c.1371+4322T>A

Gene: PLXNA4 (plexin A4; minus strand). Cytogenetic location: 7q32.3.
Variant type: single nucleotide variant.
Coding change: c.1371+4322T>A on transcript NM_020911.2 (MANE Select); 4322 bases into the intron after coding-DNA position 1371, T replaced by A.
Molecular consequence: intron variant. On other transcripts: missense variant (1).
Genome position (GRCh38, 1-based): chr7:132,484,970, A>T on the plus strand (T>A on the coding strand, the complement: PLXNA4 is on the minus strand). VCF-style: chr7-132484970-A-T. GRCh37 (hg19) VCF-style: chr7-132169729-A-T.
Other names: c.1415T>A, p.Ile472Asn (NM_181775.4); c.1371+4322T>A (NM_001393897.1, NM_001105543.2); short protein forms I472N.
Identifiers: ClinVar variation 2634958 (VCV002634958.4), dbSNP rs375890053, ClinGen allele CA4490266.